The following is an entry in ClinVar:

ClinVar aggregate classification (germline): Uncertain significance (1 of 4 stars; one submission).

Conditions:
Granulomatous disease, chronic, autosomal recessive, cytochrome b-positive, type 2. Also called: CGD, AUTOSOMAL RECESSIVE CYTOCHROME b-POSITIVE, TYPE II; GRANULOMATOUS DISEASE, CHRONIC, DUE TO NCF2 DEFICIENCY; Chronic Granulomatous Disease, Autosomal Recessive, Cytochrome b-Positive, Type II; GRANULOMATOUS DISEASE, CHRONIC, AUTOSOMAL RECESSIVE, 2; Chronic granulomatous disease due to deficiency of NCF-2. Identifiers: Orphanet 379, MedGen C1856245, MONDO:0009310, OMIM 233710.

Allele frequency attached by ClinVar (database versions not stated): TOPMed 0.00002.
gnomAD v4.1: 1 of 1,613,270 alleles (0.000062%); highest among the groups gnomAD compares: African/African-American, 0.0013%; no homozygotes.

Submission:

Labcorp Genetics (formerly Invitae), Labcorp
Classification: Uncertain significance for Granulomatous disease, chronic, autosomal recessive, cytochrome b-positive, type 2. Last evaluated: 2021-08-31. Review status: criteria provided, single submitter. Criteria: Invitae Variant Classification Sherloc (09022015). Collection method: clinical testing. Allele origin: germline.
Comment: This sequence change disrupts the translational stop signal of the NCF2 mRNA. It is expected to extend the length of the NCF2 protein by 64 additional amino acid residues. This variant is not present in population databases (ExAC no frequency). This variant has not been reported in the literature in individuals affected with NCF2-related conditions. Experimental studies and prediction algorithms are not available or were not evaluated, and the functional significance of this variant is currently unknown. In summary, the available evidence is currently insufficient to determine the role of this variant in disease. Therefore, it has been classified as a Variant of Uncertain Significance.

NM_000433.4(NCF2):c.1581G>C (p.Ter527Tyr)

Gene: NCF2 (neutrophil cytosolic factor 2; minus strand). Cytogenetic location: 1q25.3.
Variant type: single nucleotide variant.
Coding change: c.1581G>C on transcript NM_000433.4 (MANE Select); coding-DNA position 1581, G replaced by C.
Protein change: p.Ter527Tyr.
Molecular consequence: stop lost.
Genome position (GRCh38, 1-based): chr1:183,556,118, C>G on the plus strand (G>C on the coding strand, the complement: NCF2 is on the minus strand). VCF-style: chr1-183556118-C-G. GRCh37 (hg19) VCF-style: chr1-183525253-C-G.
Other names: *527Y; *446Y; *482Y; c.1581G>C, p.Ter527Tyr (NM_001127651.3); c.1338G>C, p.Ter446Tyr (NM_001190789.2); c.1446G>C, p.Ter482Tyr (NM_001190794.2).
Identifiers: ClinVar variation 534654 (VCV000534654.6), dbSNP rs768748386, ClinGen allele CA343703166.